The following is an entry in ClinVar:

NM_001903.5(CTNNA1):c.2254_2255delinsTT (p.Ala752Leu)

Gene: CTNNA1 (catenin alpha 1; plus strand). Cytogenetic location: 5q31.2.
Variant type: Indel.
Coding change: c.2254_2255delinsTT on transcript NM_001903.5 (MANE Select); coding-DNA positions 2254 to 2255, GC replaced by TT.
Protein change: p.Ala752Leu; replaces alanine 752 with leucine.
Molecular consequence: missense variant.
Genome position (GRCh38, 1-based): chr5:138,930,891-138,930,892, GC replaced by TT. VCF-style: chr5-138930891-GC-TT. GRCh37 (hg19) VCF-style: chr5-138266580-GC-TT.
Other names: c.1144_1145delinsTT, p.Ala382Leu (NM_001323988.1, NM_001323989.1, NM_001323990.1 and 17 more transcripts); c.805_806delinsTT, p.Ala269Leu (NM_001324006.1, NM_001324007.1, NM_001324008.1 and 2 more transcripts); c.1051_1052delinsTT, p.Ala351Leu (NM_001324011.1); c.901_902delinsTT, p.Ala301Leu (NM_001324012.1, NM_001324013.1); c.2254_2255delinsTT, p.Ala752Leu (NM_001290307.3, NM_001323982.2, NM_001323983.1 and 2 more transcripts); c.1945_1946delinsTT, p.Ala649Leu (NM_001290309.3); c.1885_1886delinsTT, p.Ala629Leu (NM_001290310.3); c.2161_2162delinsTT, p.Ala721Leu (NM_001323986.2); short protein forms A629L, A649L, A752L, A721L, A269L, A301L, A351L, A382L.
Identifiers: ClinVar variation 3270091 (VCV003270091.1).
Genomic context (GRCh38, chr5:138,930,891, plus strand): 5'-GGTAAAGGACCACTCAAAAATACATCGGATGTCATCAGTGCTGCCAAGAAAATTGCTGAG[GC>TT]AGGATCCAGGATGGACAAGCTTGGCCGCACCATTGCAGACCATGTAAGTGACAGACTTGC-3'
Protein context (NP_001894.2, residues 742-762): VISAAKKIAE[Ala752Leu]GSRMDKLGRT

ClinVar aggregate classification (germline): Uncertain significance (1 of 4 stars; one submission).

Conditions:
Hereditary cancer-predisposing syndrome. Also called: Tumor predisposition; Hereditary Cancer Syndrome; Hereditary neoplastic syndrome; Neoplastic Syndromes, Hereditary. Identifiers: Orphanet 140162, MedGen C0027672, MeSH D009386, MONDO:0015356.

Submission:

Ambry Genetics
Classification: Uncertain significance for Hereditary cancer-predisposing syndrome. Last evaluated: 2024-04-24. Review status: criteria provided, single submitter. Criteria: Ambry Variant Classification Scheme 2023. Collection method: clinical testing. Allele origin: germline.
Comment: The c.2254_2255delGCinsTT variant (also known as p.A752L), located in coding exon 15 of the CTNNA1 gene, results from an in-frame deletion of GC and insertion of TT at nucleotide positions 2254 to 2255. This results in the substitution of the alanine residue for a leucine residue at codon 752, an amino acid with similar properties. In addition, the in silico prediction for this alteration is inconclusive (Choi Y et al. PLoS ONE. 2012; 7(10):e46688). The evidence for this gene-disease relationship is limited; therefore, the clinical significance of this alteration is unclear.